The following is an entry in ClinVar:

NM_032793.5(MFSD2A):c.630G>A (p.Thr210=)

Gene: MFSD2A (MFSD2 lysolipid transporter A, lysophospholipid; plus strand). Cytogenetic location: 1p34.2.
Variant type: single nucleotide variant.
Coding change: c.630G>A on transcript NM_032793.5 (MANE Select); coding-DNA position 630, G replaced by A.
Protein change: p.Thr210=; no amino-acid change (threonine 210 retained).
Molecular consequence: synonymous variant. On other transcripts: non-coding transcript variant (1).
Genome position (GRCh38, 1-based): chr1:39,965,930, G>A. VCF-style: chr1-39965930-G-A. GRCh37 (hg19) VCF-style: chr1-40431602-G-A.
Other names: c.669G>A, p.Thr223= (NM_001136493.3); c.162G>A, p.Thr54= (NM_001287808.2); c.519G>A, p.Thr173= (NM_001287809.2); c.624G>A, p.Thr208= (NM_001349821.2); c.630G>A, p.Thr210= (NM_001349822.2); c.285G>A, p.Thr95= (NM_001349823.2).
Identifiers: ClinVar variation 713931 (VCV000713931.39), dbSNP rs142303528, ClinGen allele CA788727.

ClinVar aggregate classification (germline): Benign/Likely benign. Review status: criteria provided, multiple submitters, no conflicts (2 of 4 stars). 5 submissions from 5 submitters: Benign (3); Likely benign (2). Last evaluated 2026-09-01.

Conditions:
MFSD2A-related disorder. Also called: MFSD2A-related condition.

Allele frequency attached by ClinVar (database versions not stated): ESP Exome Variant Server 0.00023; gnomAD 0.00068 and 0.00069; 1000 Genomes Project 0.00080; 1000 Genomes Project 30x 0.00109; TOPMed 0.00109; ExAC 0.00118; gnomAD exomes 0.00167.

Submissions (5):

CeGaT Center for Human Genetics Tuebingen
Classification: Likely benign. Last evaluated: 2026-09-01. Review status: criteria provided, single submitter. Criteria: CeGaT Center For Human Genetics Tuebingen Variant Classification Criteria Version 2. Collection method: clinical testing. Allele origin: germline. Affected: yes. Observed: 8 variant alleles.
Comment: MFSD2A: BP4, BP7

Labcorp Genetics (formerly Invitae), Labcorp
Classification: Benign. Last evaluated: 2026-01-19. Review status: criteria provided, single submitter. Criteria: Invitae Variant Classification Sherloc (09022015). Collection method: clinical testing. Allele origin: germline.

PreventionGenetics, part of Exact Sciences
Classification: Likely benign for MFSD2A-related condition. Last evaluated: 2024-11-01. Review status: criteria provided, single submitter. Criteria: ACMG Guidelines, 2015. Collection method: clinical testing. Allele origin: germline.
Comment: This variant is classified as likely benign based on ACMG/AMP sequence variant interpretation guidelines (Richards et al. 2015 PMID: 25741868, with internal and published modifications).

Genetic Services Laboratory, University of Chicago
Classification: Benign. Last evaluated: 2018-09-04. Review status: criteria provided, single submitter. Criteria: ACMG Guidelines, 2015. Collection method: clinical testing. Allele origin: germline. Affected: no.

Breakthrough Genomics
Classification: Benign. Review status: criteria provided, single submitter. Criteria: ACMG Guidelines, 2015. Collection method: not provided. Allele origin: germline. Inheritance: Autosomal recessive inheritance. Affected: yes.